The following is an entry in ClinVar:

NM_004260.4(RECQL4):c.2312C>T (p.Thr771Met)

Gene: RECQL4 (RecQ like helicase 4; minus strand). Cytogenetic location: 8q24.3.
Variant type: single nucleotide variant.
Coding change: c.2312C>T on transcript NM_004260.4 (MANE Select); coding-DNA position 2312, C replaced by T.
Protein change: p.Thr771Met; replaces threonine 771 with methionine.
Molecular consequence: missense variant.
Genome position (GRCh38, 1-based): chr8:144,513,369, G>A on the plus strand (C>T on the coding strand, the complement: RECQL4 is on the minus strand). VCF-style: chr8-144513369-G-A. GRCh37 (hg19) VCF-style: chr8-145738752-G-A.
Other names: short protein forms T771M.
Identifiers: ClinVar variation 528990 (VCV000528990.8), dbSNP rs770327474, ClinGen allele CA4948338.

ClinVar aggregate classification (germline): Conflicting classifications of pathogenicity. Review status: criteria provided, conflicting classifications (1 of 4 stars). 2 submissions from 2 submitters: Likely pathogenic (1); Uncertain significance (1). Last evaluated 2025-06-06.

Conditions:
Baller-Gerold syndrome (BGS). Also called: CRANIOSYNOSTOSIS WITH RADIAL DEFECTS. Identifiers: Orphanet 1225, MedGen C0265308, MONDO:0009039, OMIM 218600.
Ovarian cancer. Also called: OVARIAN CANCER, SOMATIC. Identifiers: Orphanet 213500, MedGen C1140680, MONDO:0008170, OMIM 167000.

Allele frequency attached by ClinVar (database versions not stated): gnomAD 0.00001; gnomAD exomes 0.00005 and 0.00008; ExAC 0.00011.

Submissions (2):

Labcorp Genetics (formerly Invitae), Labcorp
Classification: Uncertain significance for Baller-Gerold syndrome. Last evaluated: 2025-06-06. Review status: criteria provided, single submitter. Criteria: Invitae Variant Classification Sherloc (09022015). Collection method: clinical testing. Allele origin: germline.
Comment: This sequence change replaces threonine, which is neutral and polar, with methionine, which is neutral and non-polar, at codon 771 of the RECQL4 protein (p.Thr771Met). This variant is present in population databases (rs770327474, gnomAD 0.03%). This variant has not been reported in the literature in individuals affected with RECQL4-related conditions. ClinVar contains an entry for this variant (Variation ID: 528990). Invitae Evidence Modeling of protein sequence and biophysical properties (such as structural, functional, and spatial information, amino acid conservation, physicochemical variation, residue mobility, and thermodynamic stability) indicates that this missense variant is expected to disrupt RECQL4 protein function with a positive predictive value of 80%. In summary, the available evidence is currently insufficient to determine the role of this variant in disease. Therefore, it has been classified as a Variant of Uncertain Significance.

Laboratory of Molecular Epidemiology of Birth Defects, West China Second University Hospital, Sichuan University
Classification: Likely pathogenic for Ovarian cancer. Last evaluated: 2022-01-01. Review status: criteria provided, single submitter. Criteria: ACMG Guidelines, 2015. Collection method: clinical testing. Allele origin: germline. Affected: yes.